The following is an entry in ClinVar:

ClinVar aggregate classification (germline): Uncertain significance (1 of 4 stars; one submission).

Conditions:
Werner syndrome (WRN). Identifiers: Orphanet 902, MedGen C0043119, MONDO:0010196, OMIM 277700.

Submission:

Labcorp Genetics (formerly Invitae), Labcorp
Classification: Uncertain significance for Werner syndrome. Last evaluated: 2022-10-17. Review status: criteria provided, single submitter. Criteria: Invitae Variant Classification Sherloc (09022015). Collection method: clinical testing. Allele origin: germline.
Comment: A copy number gain of the genomic region encompassing the full coding sequence of the WRN gene has been identified. The boundaries of this event are unknown as they extend beyond the assayed region for this gene and therefore may encompass additional genes. As the precise location of this event is unknown, it may be in tandem or it may be located elsewhere in the genome. This variant has not been reported in the literature in individuals affected with WRN-related conditions. Experimental studies and prediction algorithms are not available or were not evaluated, and the functional significance of this variant is currently unknown. In summary, the available evidence is currently insufficient to determine the role of this variant in disease. Therefore, it has been classified as a Variant of Uncertain Significance.

NC_000008.11:g.(?_31058448)_(31173102_?)dup

Gene: WRN (WRN RecQ like helicase; plus strand). Cytogenetic location: 8p12.
Variant type: Duplication.
Identifiers: ClinVar variation 831996 (VCV000831996.2).